The following is an entry in ClinVar:

NM_021098.3(CACNA1H):c.7030G>T (p.Ala2344Ser)

Gene: CACNA1H (calcium voltage-gated channel subunit alpha1 H; plus strand). Cytogenetic location: 16p13.3.
Variant type: single nucleotide variant.
Coding change: c.7030G>T on transcript NM_021098.3 (MANE Select); coding-DNA position 7030, G replaced by T.
Protein change: p.Ala2344Ser; replaces alanine 2344 with serine.
Molecular consequence: missense variant.
Genome position (GRCh38, 1-based): chr16:1,220,962, G>T. VCF-style: chr16-1220962-G-T. GRCh37 (hg19) VCF-style: chr16-1270962-G-T.
Other names: c.7012G>T, p.Ala2338Ser (NM_001005407.2); short protein forms A2338S, A2344S.
Identifiers: ClinVar variation 3754238 (VCV003754238.2).

ClinVar aggregate classification (germline): Uncertain significance (1 of 4 stars; one submission).

Conditions:
Hyperaldosteronism, familial, type IV (HALD4). Also called: FH IV; ALDOSTERONISM, PRIMARY, AND HYPERTENSION. Identifiers: Orphanet 642671, MedGen C4310756, MONDO:0014875, OMIM 617027.
Idiopathic generalized epilepsy. Also called: EIG; Generalised epilepsy. Identifiers: MedGen C0270850, MONDO:0005579, OMIM 600669.

Submission:

Labcorp Genetics (formerly Invitae), Labcorp
Classification: Uncertain significance for Idiopathic generalized epilepsy; Hyperaldosteronism, familial, type IV. Last evaluated: 2025-01-28. Review status: criteria provided, single submitter. Criteria: Invitae Variant Classification Sherloc (09022015). Collection method: clinical testing. Allele origin: germline.
Comment: This sequence change replaces alanine, which is neutral and non-polar, with serine, which is neutral and polar, at codon 2344 of the CACNA1H protein (p.Ala2344Ser). This variant is not present in population databases (gnomAD no frequency). This variant has not been reported in the literature in individuals affected with CACNA1H-related conditions. Invitae Evidence Modeling of protein sequence and biophysical properties (such as structural, functional, and spatial information, amino acid conservation, physicochemical variation, residue mobility, and thermodynamic stability) indicates that this missense variant is not expected to disrupt CACNA1H protein function with a negative predictive value of 95%. In summary, the available evidence is currently insufficient to determine the role of this variant in disease. Therefore, it has been classified as a Variant of Uncertain Significance.